The following is an entry in ClinVar:

ClinVar aggregate classification (germline): Conflicting classifications of pathogenicity. Review status: criteria provided, conflicting classifications (1 of 4 stars). 4 submissions from 4 submitters: Uncertain significance (1); Likely benign (3). Last evaluated 2025-11-12.

Allele frequency attached by ClinVar (database versions not stated): gnomAD exomes 0.00002 and 0.00003; ExAC 0.00003; TOPMed 0.00005; gnomAD 0.00007 and 0.00008.
gnomAD v4.1: 48 of 1,613,908 alleles (0.003%); highest among the groups gnomAD compares: Admixed American, 0.013%; no homozygotes.

Submissions (4):

Labcorp Genetics (formerly Invitae), Labcorp
Classification: Likely benign. Last evaluated: 2025-11-12. Review status: criteria provided, single submitter. Criteria: Invitae Variant Classification Sherloc (09022015). Collection method: clinical testing. Allele origin: germline.

Blueprint Genetics
Classification: Likely benign. Last evaluated: 2024-10-30. Review status: criteria provided, single submitter. Criteria: ACMG Guidelines, 2015. Collection method: clinical testing. Allele origin: germline.

Women's Health and Genetics/Laboratory Corporation of America, LabCorp
Classification: Likely benign. Last evaluated: 2024-09-30. Review status: criteria provided, single submitter. Criteria: LabCorp Variant Classification Summary - May 2015. Collection method: clinical testing. Allele origin: germline.
Comment: Variant summary: PROP1 c.423C>T alters a non-conserved nucleotide resulting in a synonymous change. Consensus agreement among computation tools predict no significant impact on normal splicing. However, these predictions have yet to be confirmed by functional studies. The variant allele was found at a frequency of 2.4e-05 in 251054 control chromosomes. The available data on variant occurrences in the general population are insufficient to allow any conclusion about variant significance. c.423C>T has not been reported in the literature in individuals affected with Combined Pituitary Hormone Deficiency. These report(s) do not provide unequivocal conclusions about association of the variant with Combined Pituitary Hormone Deficiency. To our knowledge, no experimental evidence demonstrating an impact on protein function has been reported. The following publication have been ascertained in the context of this evaluation (PMID: 16735499). ClinVar contains an entry for this variant (Variation ID: 286282). Based on the evidence outlined above, the variant was classified as likely benign.

Eurofins Ntd Llc (ga)
Classification: Uncertain significance. Last evaluated: 2016-03-28. Review status: criteria provided, single submitter. Criteria: EGL Classification Definitions 2015. Collection method: clinical testing. Allele origin: germline. Observed: 2 variant alleles, 2 heterozygotes.

Literature cited by the submitters: PubMed 16735499 (cited by Women's Health and Genetics/Laboratory Corporation of America, LabCorp).

NM_006261.5(PROP1):c.423C>T (p.Ala141=)

Gene: PROP1 (PROP paired-like homeobox 1; minus strand). Cytogenetic location: 5q35.3.
Variant type: single nucleotide variant.
Coding change: c.423C>T on transcript NM_006261.5 (MANE Select); coding-DNA position 423, C replaced by T.
Protein change: p.Ala141=; no amino-acid change (alanine 141 retained).
Molecular consequence: synonymous variant.
Genome position (GRCh38, 1-based): chr5:177,992,967, G>A on the plus strand (C>T on the coding strand, the complement: PROP1 is on the minus strand). VCF-style: chr5-177992967-G-A. GRCh37 (hg19) VCF-style: chr5-177419968-G-A.
Identifiers: ClinVar variation 286282 (VCV000286282.16), dbSNP rs200977367, ClinGen allele CA3587526.